The following is an entry in ClinVar:

ClinVar aggregate classification (germline): Likely benign (0 of 4 stars; one submission).

Conditions:
GJB4-related disorder. Also called: GJB4-related condition.

Allele frequency attached by ClinVar (database versions not stated): gnomAD 0.00001; ExAC 0.00003; gnomAD exomes 0.00005; ESP Exome Variant Server 0.00008.
gnomAD v4.1: 73 of 1,614,098 alleles (0.0045%); highest among the groups gnomAD compares: Non-Finnish European, 0.0058%; no homozygotes.

Submission:

PreventionGenetics, part of Exact Sciences
Classification: Likely benign for GJB4-related condition. Last evaluated: 2019-09-06. Review status: no assertion criteria provided. Collection method: clinical testing. Allele origin: germline.
Comment: This variant is classified as likely benign based on ACMG/AMP sequence variant interpretation guidelines (Richards et al. 2015 PMID: 25741868, with internal and published modifications).

NM_153212.3(GJB4):c.330G>A (p.Gly110=)

Gene: GJB4 (gap junction protein beta 4; plus strand). Cytogenetic location: 1p34.3.
Variant type: single nucleotide variant.
Coding change: c.330G>A on transcript NM_153212.3 (MANE Select); coding-DNA position 330, G replaced by A.
Protein change: p.Gly110=; no amino-acid change (glycine 110 retained).
Molecular consequence: synonymous variant.
Genome position (GRCh38, 1-based): chr1:34,761,584, G>A. VCF-style: chr1-34761584-G-A. GRCh37 (hg19) VCF-style: chr1-35227185-G-A.
Identifiers: ClinVar variation 3052670 (VCV003052670.2), dbSNP rs140110665, ClinGen allele CA754554.